The following is an entry in ClinVar:

ClinVar aggregate classification (germline): Uncertain significance (1 of 4 stars; one submission).

Submission:

Women's Health and Genetics/Laboratory Corporation of America, LabCorp
Classification: Uncertain significance. Last evaluated: 2022-06-21. Review status: criteria provided, single submitter. Criteria: LabCorp Variant Classification Summary - May 2015. Collection method: clinical testing. Allele origin: germline.
Comment: Variant summary: The variant identified by MLPA or other technology involves the duplication of exons 18-21 in the PUM1 gene. A presumed nomenclature of c.(2856+1_2857-1)_(3435+1_3436-1)dup has been designated for the purposes of this classification. It has been assumed that this is a tandem duplication in direct orientation (Richardson_GIM_2018, Newman_AJHG_2015). Although exact breakpoints of this duplication are not known, it is expected to result in a large in-frame duplication in the PUM1 gene. The variant was absent in 21694 control chromosomes (gnomAD Structural Variants dataset). The available data on variant occurrences in the general population are insufficient to allow any conclusion about variant significance. To our knowledge, no occurrence of c.(2856+1_2857-1)_(3435+1_3436-1)dup in individuals affected with Spinocerebellar Ataxia 47 and no experimental evidence demonstrating its impact on protein function have been reported. One ClinVar submitter has assessed the variant since 2014: the variant was classified as of uncertain significance. Based on the evidence outlined above, the variant was classified as uncertain significance.

NC_000001.10:g.(31406190_31409489)_(31418331_31422973)dup

Gene: PUM1 (pumilio RNA binding family member 1; minus strand). Cytogenetic location: 1p35.2.
Variant type: Duplication.
Identifiers: ClinVar variation 1698605 (VCV001698605.1).